The following is an entry in ClinVar:

ClinVar aggregate classification (germline): Uncertain significance (1 of 4 stars; one submission).

Allele frequency attached by ClinVar (database versions not stated): gnomAD 0.00001.

Submission:

GeneDx
Classification: Uncertain significance. Last evaluated: 2023-03-13. Review status: criteria provided, single submitter. Criteria: GeneDx Variant Classification Process June 2021. Collection method: clinical testing. Allele origin: germline. Affected: yes.
Comment: Not observed at significant frequency in large population cohorts (gnomAD); In silico analysis supports that this missense variant has a deleterious effect on protein structure/function; Has not been previously published as pathogenic or benign to our knowledge

NM_145064.3(STAC3):c.317G>T (p.Cys106Phe)

Gene: STAC3 (SH3 and cysteine rich domain 3; minus strand). Cytogenetic location: 12q13.3.
Variant type: single nucleotide variant.
Coding change: c.317G>T on transcript NM_145064.3 (MANE Select); coding-DNA position 317, G replaced by T.
Protein change: p.Cys106Phe; replaces cysteine 106 with phenylalanine.
Molecular consequence: missense variant. On other transcripts: intron variant (1).
Genome position (GRCh38, 1-based): chr12:57,249,058, C>A on the plus strand (G>T on the coding strand, the complement: STAC3 is on the minus strand). VCF-style: chr12-57249058-C-A. GRCh37 (hg19) VCF-style: chr12-57642841-C-A.
Other names: c.200G>T, p.Cys67Phe (NM_001286256.2); c.-126-860G>T (NM_001286257.2); short protein forms C106F, C67F.
Identifiers: ClinVar variation 2579794 (VCV002579794.1), dbSNP rs1450099394, ClinGen allele CA385416608.
Genomic context (GRCh38, chr12:57,249,058, plus strand): 5'-TGCCTTCAATATCATACTCTCTTCACTTCCCTTCATGACTCACGAACAATCATCCGGGCA[C>A]AGACATCACAGAACTTTGGCTTCTTGAAGAAGTGATCTTTGAATTTGTGGGGCTTATCGT-3'
Protein context (NP_659501.1, residues 96-116): FFKKPKFCDV[Cys106Phe]ARMIVLNNKF